The following is an entry in ClinVar:

ClinVar aggregate classification (germline): Benign (1 of 4 stars; one submission).

Conditions:
Birt-Hogg-Dube syndrome 1 (BHD1). Also called: FIBROFOLLICULOMAS WITH TRICHODISCOMAS AND ACROCHORDONS. Identifiers: Orphanet 122, MedGen CN375946, MONDO:0800445, OMIM 135150.

gnomAD v4.1: 4 of 1,614,100 alleles (0.00025%); highest among the groups gnomAD compares: Non-Finnish European, 0.00034%; no homozygotes.

Submission:

Myriad Genetics, Inc.
Classification: Benign for Birt-Hogg-Dube syndrome 1. Last evaluated: 2024-10-28. Review status: criteria provided, single submitter. Criteria: Myriad Autosomal Dominant, Autosomal Recessive and X-Linked Classification Criteria (2023). Collection method: clinical testing. Allele origin: unknown.
Comment: This variant is considered benign. This variant occurs in the non-coding 3' untranslated region of the gene, and is not expected to impact protein function.

NM_144997.7(FLCN):c.*3C>A

Gene: FLCN (folliculin; minus strand). Cytogenetic location: 17p11.2.
Variant type: single nucleotide variant.
Coding change: c.*3C>A on transcript NM_144997.7 (MANE Select); 3 bases downstream of the stop codon, C replaced by A.
Molecular consequence: 3 prime UTR variant.
Genome position (GRCh38, 1-based): chr17:17,213,652, G>T on the plus strand (C>A on the coding strand, the complement: FLCN is on the minus strand). VCF-style: chr17-17213652-G-T. GRCh37 (hg19) VCF-style: chr17-17116966-G-T.
Other names: c.*3C>A (NM_001353229.2, NM_001353230.2, NM_001353231.2).
Identifiers: ClinVar variation 3773027 (VCV003773027.1).